The following is an entry in ClinVar:

ClinVar aggregate classification (germline): Uncertain significance. Review status: criteria provided, multiple submitters, no conflicts (2 of 4 stars). 2 submissions from 2 submitters: Uncertain significance (2). Last evaluated 2021-09-21.

Conditions:
Hermansky-Pudlak syndrome 7 (HPS7). Identifiers: Orphanet 231531, Orphanet 79430, MedGen C3279756, MONDO:0013559, OMIM 614076.

Allele frequency attached by ClinVar (database versions not stated): gnomAD exomes 0.00001 and 0.00003; TOPMed 0.00001; ExAC 0.00004.

Submissions (2):

Labcorp Genetics (formerly Invitae), Labcorp
Classification: Uncertain significance. Last evaluated: 2021-09-21. Review status: criteria provided, single submitter. Criteria: Invitae Variant Classification Sherloc (09022015). Collection method: clinical testing. Allele origin: germline.
Comment: This sequence change creates a premature translational stop signal (p.Cys277Trpfs*4) in the DTNBP1 gene. While this is not anticipated to result in nonsense mediated decay, it is expected to disrupt the last 75 amino acid(s) of the DTNBP1 protein. This variant is present in population databases (rs779359505, ExAC 0.06%). This variant has not been reported in the literature in individuals affected with DTNBP1-related conditions. Algorithms developed to predict the effect of sequence changes on RNA splicing suggest that this variant may create or strengthen a splice site. In summary, the available evidence is currently insufficient to determine the role of this variant in disease. Therefore, it has been classified as a Variant of Uncertain Significance.

Juno Genomics, Hangzhou Juno Genomics, Inc
Classification: Uncertain significance for Hermansky-Pudlak syndrome 7. Review status: criteria provided, single submitter. Criteria: ACMG Guidelines, 2015. Collection method: clinical testing. Allele origin: germline.
Comment: Null variant in a gene where loss of function (LOF) is a known mechanism of disease.;Absent from controls (or at extremely low frequency if recessive) in Genome Aggregation Database.

NM_032122.5(DTNBP1):c.830dup (p.Cys277fs)

Gene: DTNBP1 (dystrobrevin binding protein 1; minus strand). Cytogenetic location: 6p22.3.
Variant type: Duplication.
Coding change: c.830dup on transcript NM_032122.5 (MANE Select); coding-DNA position 830, one base duplicated (G; older notation c.830dupG).
Protein change: p.Cys277fs; shifts the reading frame from cysteine 277.
Molecular consequence: frameshift variant.
Genome position (GRCh38, 1-based): chr6:15,523,201, C duplicated on the plus strand (G on the coding strand, the reverse complement: DTNBP1 is on the minus strand). VCF-style (leftmost placement, unchanged base first): chr6-15523200-A-AC. GRCh37 (hg19) VCF-style: chr6-15523431-A-AC.
Other names: c.587dup, p.Cys196fs (NM_001271667.2); c.779dup, p.Cys260fs (NM_001271668.2); c.725dup, p.Cys242fs (NM_001271669.2); short protein forms C242fs, C277fs, C196fs, C260fs.
Identifiers: ClinVar variation 1418593 (VCV001418593.9), dbSNP rs779359505, ClinGen allele CA3643717.
Genomic context (GRCh38, chr6:15,523,200, plus strand): 5'-AGAAGGTGGCTTGGCTCTTAATTCTGAGGGATTTGGAACCTGGAGGGTAATCTCATTCTG[A>AC]CAGGTACTGGATTCAGGCCCTGCAAAATAACGTAGGGAAGAAAAAGCCCTGTCATAAAAA-3'